The following is an entry in ClinVar:

ClinVar aggregate classification (germline): Uncertain significance (1 of 4 stars; one submission).

Conditions:
Hereditary cancer-predisposing syndrome. Also called: Tumor predisposition; Hereditary neoplastic syndrome; Hereditary Cancer Syndrome; Neoplastic Syndromes, Hereditary. Identifiers: Orphanet 140162, MedGen C0027672, MeSH D009386, MONDO:0015356.

Submission:

Ambry Genetics
Classification: Uncertain significance for Hereditary cancer-predisposing syndrome. Last evaluated: 2025-06-08. Review status: criteria provided, single submitter. Criteria: Ambry Variant Classification Scheme 2023. Collection method: clinical testing. Allele origin: germline.
Comment: The p.V1186L variant (also known as c.3556G>C), located in coding exon 23 of the RAD50 gene, results from a G to C substitution at nucleotide position 3556. The valine at codon 1186 is replaced by leucine, an amino acid with highly similar properties. This amino acid position is conserved. In addition, this alteration is predicted to be deleterious by in silico analysis. Based on the available evidence, the clinical significance of this variant remains unclear.

NM_005732.4(RAD50):c.3556G>C (p.Val1186Leu)

Genes: RAD50 (RAD50 double strand break repair protein; plus strand), TH2-LCR (Th2 cytokine locus control region; plus strand), TH2LCRR (T helper type 2 locus control region associated RNA; minus strand). Cytogenetic location: 5q31.1.
Variant type: single nucleotide variant.
Coding change: c.3556G>C on transcript NM_005732.4 (MANE Select); coding-DNA position 3556, G replaced by C.
Protein change: p.Val1186Leu; replaces valine 1186 with leucine.
Molecular consequence: missense variant. On other transcripts: non-coding transcript variant (3).
Genome position (GRCh38, 1-based): chr5:132,638,161, G>C. VCF-style: chr5-132638161-G-C. GRCh37 (hg19) VCF-style: chr5-131973853-G-C.
Other names: short protein forms V1186L.
Identifiers: ClinVar variation 3942213 (VCV003942213.1).